The following is an entry in ClinVar:

NM_005121.3(MED13):c.68C>A (p.Ala23Asp)

Gene: MED13 (mediator complex subunit 13; minus strand). Cytogenetic location: 17q23.2.
Variant type: single nucleotide variant.
Coding change: c.68C>A on transcript NM_005121.3 (MANE Select); coding-DNA position 68, C replaced by A.
Protein change: p.Ala23Asp; replaces alanine 23 with aspartic acid.
Molecular consequence: missense variant.
Genome position (GRCh38, 1-based): chr17:62,063,300, G>T on the plus strand (C>A on the coding strand, the complement: MED13 is on the minus strand). VCF-style: chr17-62063300-G-T. GRCh37 (hg19) VCF-style: chr17-60140661-G-T.
Other names: short protein forms A23D.
Identifiers: ClinVar variation 2629863 (VCV002629863.1), dbSNP rs2509227593, ClinGen allele CA400787718.

ClinVar aggregate classification (germline): Uncertain significance (1 of 4 stars; one submission).

Conditions:
MED13-related disorder. Also called: MED13-related condition.

Submission:

PreventionGenetics, part of Exact Sciences
Classification: Uncertain significance for MED13-related condition. Last evaluated: 2022-12-30. Review status: criteria provided, single submitter. Criteria: ACMG Guidelines, 2015. Collection method: clinical testing. Allele origin: germline.
Comment: The MED13 c.68C>A variant is predicted to result in the amino acid substitution p.Ala23Asp. To our knowledge, this variant has not been reported in the literature or in a large population database, indicating this variant is rare. At this time, the clinical significance of this variant is uncertain due to the absence of conclusive functional and genetic evidence.